The following is an entry in ClinVar:

ClinVar aggregate classification (germline): Pathogenic/Likely pathogenic. Review status: criteria provided, multiple submitters, no conflicts (2 of 4 stars). 4 submissions from 4 submitters: Pathogenic (1); Likely pathogenic (3). Last evaluated 2024-09-23.

Conditions:
HGSNAT-related disorders.
Retinitis pigmentosa 73 (RP73). Identifiers: Orphanet 791, MedGen C4225287, MONDO:0014687, OMIM 616544.
Mucopolysaccharidosis, MPS-III-C (MPS3C). Also called: SANFILIPPO SYNDROME C; MPS III C; Mucopolysaccharidosis type IIIC (Sanfilippo C); MUCOPOLYSACCHARIDOSIS, TYPE IIIC; mucopolysaccharidosis type 3C; MPS IIIC (Sanfilippo Syndrome Type C). Identifiers: Orphanet 581, Orphanet 79271, MedGen C0086649, MONDO:0009657, OMIM 252930.

gnomAD v4.1: 3 of 1,612,862 alleles (0.00019%); highest among the groups gnomAD compares: Non-Finnish European, 0.00025%; no homozygotes.

Submissions (4):

Blueprint Genetics
Classification: Likely pathogenic for HGSNAT-related disorders. Last evaluated: 2024-09-23. Review status: criteria provided, single submitter. Criteria: ACMG Guidelines, 2015. Collection method: clinical testing. Allele origin: germline. Affected: yes. Observed: 2 variant alleles.

Fulgent Genetics
Classification: Likely pathogenic for Mucopolysaccharidosis, MPS-III-C; Retinitis pigmentosa 73. Last evaluated: 2024-06-05. Review status: criteria provided, single submitter. Criteria: ACMG Guidelines, 2015. Collection method: clinical testing. Allele origin: germline.

Natera, Inc.
Classification: Likely pathogenic for Mucopolysaccharidosis type IIIC. Last evaluated: 2024-05-16. Review status: criteria provided, single submitter. Criteria: Natera Variant Classification Schema (03/2026). Collection method: clinical testing. Allele origin: germline.
Comment: The c.852G>A variant in HGSNAT is a nonsense variant predicted to introduce a stop codon at amino acid 284. This variant is expected to result in nonsense mediated decay, truncation, or a dysfunctional protein product. This variant is rare in the general population with a frequency below the threshold expected for the associated phenotype(s). Given the available evidence, this variant is classified as Likely Pathogenic.

Labcorp Genetics (formerly Invitae), Labcorp
Classification: Pathogenic for Retinitis pigmentosa 73; Mucopolysaccharidosis, MPS-III-C. Last evaluated: 2023-11-10. Review status: criteria provided, single submitter. Criteria: Invitae Variant Classification Sherloc (09022015). Collection method: clinical testing. Allele origin: germline.
Comment: This sequence change creates a premature translational stop signal (p.Trp284*) in the HGSNAT gene. It is expected to result in an absent or disrupted protein product. Loss-of-function variants in HGSNAT are known to be pathogenic (PMID: 17033958, 19479962). This variant is not present in population databases (gnomAD no frequency). This variant has not been reported in the literature in individuals affected with HGSNAT-related conditions. Algorithms developed to predict the effect of sequence changes on RNA splicing suggest that this variant may disrupt the consensus splice site. For these reasons, this variant has been classified as Pathogenic.

Literature cited by the submitters: PubMed 17033958 (cited by Labcorp Genetics (formerly Invitae), Labcorp); PubMed 19479962 (cited by Labcorp Genetics (formerly Invitae), Labcorp).

NM_152419.3(HGSNAT):c.852G>A (p.Trp284Ter)

Gene: HGSNAT (heparan-alpha-glucosaminide N-acetyltransferase; plus strand). Cytogenetic location: 8p11.21.
Variant type: single nucleotide variant.
Coding change: c.852G>A on transcript NM_152419.3 (MANE Select); coding-DNA position 852, G replaced by A.
Protein change: p.Trp284Ter; replaces tryptophan 284 with a stop codon.
Molecular consequence: nonsense. On other transcripts: 5 prime UTR variant (1), intron variant (1).
Genome position (GRCh38, 1-based): chr8:43,178,074, G>A. VCF-style: chr8-43178074-G-A. GRCh37 (hg19) VCF-style: chr8-43033217-G-A.
Other names: c.852G>A, p.Trp284Ter (NM_001363227.2); c.-13G>A (NM_001363229.2); c.821-4071G>A (NM_001363228.2); c.852G>A (NM_152419.2); short protein forms W284*.
Identifiers: ClinVar variation 2930442 (VCV002930442.6), dbSNP rs777146364, ClinGen allele CA371116841.